The following is an entry in ClinVar:

NM_001365536.1(SCN9A):c.468-15_468-8del

Gene: SCN9A (sodium voltage-gated channel alpha subunit 9; minus strand). Cytogenetic location: 2q24.3.
Variant type: Deletion.
Coding change: c.468-15_468-8del on transcript NM_001365536.1 (MANE Select); 15 bases into the intron before coding-DNA position 468 through 8 bases into the intron before coding-DNA position 468, 8 bases deleted (GAATCTTG; older notation c.468-15_468-8delGAATCTTG).
Molecular consequence: intron variant.
Genome position (GRCh38, 1-based): chr2:166,305,928-166,305,935, CAAGATTC deleted on the plus strand (GAATCTTG on the coding strand, the reverse complement: SCN9A is on the minus strand); deleting any 8 consecutive bases within chr2:166,305,928-166,305,937 gives the same sequence; the c. name uses the placement nearest the transcript's 3' end. VCF-style (leftmost placement, unchanged base first): chr2-166305927-ACAAGATTC-A. GRCh37 (hg19) VCF-style: chr2-167162437-ACAAGATTC-A.
Other names: c.468-15_468-8del (NM_002977.4); c.468-15_468-8delGAATCTTG (NM_002977.3).
Identifiers: ClinVar variation 841012 (VCV000841012.11), dbSNP rs780347157, ClinGen allele CA1944774.

ClinVar aggregate classification (germline): Uncertain significance. Review status: criteria provided, multiple submitters, no conflicts (2 of 4 stars). 2 submissions from 2 submitters: Uncertain significance (2). Last evaluated 2025-09-24.

Conditions:
Generalized epilepsy with febrile seizures plus, type 7 (GEFSP7). Also called: GEFS+, TYPE 7. Identifiers: Orphanet 36387, MedGen C2751778, MONDO:0013470, OMIM 613863.
Neuropathy, hereditary sensory and autonomic, type 2A (HSAN2A). Also called: HSAN IIA; WNK1-Related HSAN2 (HSAN2A); MORVAN DISEASE; NEUROPATHY, CONGENITAL SENSORY; NEUROPATHY, HEREDITARY SENSORY RADICULAR, AUTOSOMAL RECESSIVE; NEUROPATHY, HEREDITARY SENSORY, TYPE IIA. Identifiers: Orphanet 970, MedGen C2752089, MONDO:0024309, OMIM 201300.

Submissions (2):

Women's Health and Genetics/Laboratory Corporation of America, LabCorp
Classification: Uncertain significance. Last evaluated: 2025-09-24. Review status: criteria provided, single submitter. Criteria: LabCorp Variant Classification Summary - May 2015. Collection method: clinical testing. Allele origin: germline.
Comment: Variant summary: SCN9A c.468-15_468-8delGAATCTTG alters a conserved nucleotide located at a position not widely known to affect splicing. Several computational tools predict a significant impact on normal splicing: Two predict the variant weakens a canonical 3' acceptor site. However, these predictions have yet to be confirmed by functional studies. The variant allele was found at a frequency of 1.2e-05 in 248386 control chromosomes. The available data on variant occurrences in the general population are insufficient to allow any conclusion about variant significance. To our knowledge, no occurrence of c.468-15_468-8delGAATCTTG in individuals affected with SCN9A-related conditions and no experimental evidence demonstrating its impact on protein function have been reported. ClinVar contains an entry for this variant (Variation ID: 841012). Based on the evidence outlined above, the variant was classified as uncertain significance.

Labcorp Genetics (formerly Invitae), Labcorp
Classification: Uncertain significance for Neuropathy, hereditary sensory and autonomic, type 2A; Generalized epilepsy with febrile seizures plus, type 7. Last evaluated: 2025-01-22. Review status: criteria provided, single submitter. Criteria: Invitae Variant Classification Sherloc (09022015). Collection method: clinical testing. Allele origin: germline.
Comment: This sequence change falls in intron 4 of the SCN9A gene. It does not directly change the encoded amino acid sequence of the SCN9A protein. This variant is present in population databases (rs780347157, gnomAD 0.01%). This variant has not been reported in the literature in individuals affected with SCN9A-related conditions. ClinVar contains an entry for this variant (Variation ID: 841012). Algorithms developed to predict the effect of sequence changes on RNA splicing suggest that this variant may disrupt the consensus splice site. In summary, the available evidence is currently insufficient to determine the role of this variant in disease. Therefore, it has been classified as a Variant of Uncertain Significance.